The following is an entry in ClinVar:

NM_002437.5(MPV17):c.407A>G (p.Tyr136Cys)

Gene: MPV17 (mitochondrial inner membrane protein MPV17; minus strand). Cytogenetic location: 2p23.3.
Variant type: single nucleotide variant.
Coding change: c.407A>G on transcript NM_002437.5 (MANE Select); coding-DNA position 407, A replaced by G.
Protein change: p.Tyr136Cys; replaces tyrosine 136 with cysteine.
Molecular consequence: missense variant.
Genome position (GRCh38, 1-based): chr2:27,312,215, T>C on the plus strand (A>G on the coding strand, the complement: MPV17 is on the minus strand). VCF-style: chr2-27312215-T-C. GRCh37 (hg19) VCF-style: chr2-27535083-T-C.
Other names: short protein forms Y136C.
Identifiers: ClinVar variation 2375389 (VCV002375389.4), dbSNP rs374692755, ClinGen allele CA1575533.
Genomic context (GRCh38, chr2:27,312,215, plus strand): 5'-CAGGACAGTTCTAGACTTAAGGAAGCAGGAGAACAAGCAGTTGAGGTGTCAGCTCTTACA[T>C]AGTAGTTGGTGATAAGGGCATCAGGATAATCCTGGGGAGACAGAGAAGGAACAAATTAAC-3'
Protein context (NP_002428.1, residues 126-146): DYPDALITNY[Tyr136Cys]LWPAVQLANF

ClinVar aggregate classification (germline): Uncertain significance. Review status: criteria provided, multiple submitters, no conflicts (2 of 4 stars). 3 submissions from 3 submitters: Uncertain significance (3). Last evaluated 2025-12-16.

Conditions:
MPV17-related disorder. Also called: MPV17-related disorders; MPV17-related condition. Identifiers: MedGen CN239328.
Inborn genetic diseases. Identifiers: MedGen C0950123, MeSH D030342.

Allele frequency attached by ClinVar (database versions not stated): gnomAD exomes 0.00002; ExAC 0.00007; ESP Exome Variant Server 0.00008; gnomAD 0.00008; TOPMed 0.00011.
gnomAD v4.1: 37 of 1,613,790 alleles (0.0023%); highest among the groups gnomAD compares: African/African-American, 0.032%; no homozygotes.

Submissions (3):

PreventionGenetics, part of Exact Sciences
Classification: Uncertain significance for MPV17-related condition. Last evaluated: 2025-12-16. Review status: criteria provided, single submitter. Criteria: ACMG Guidelines, 2015. Collection method: clinical testing. Allele origin: germline.
Comment: The MPV17 c.407A>G variant is predicted to result in the amino acid substitution p.Tyr136Cys. To our knowledge, this variant has not been reported in the literature. This variant is reported in 0.048% of alleles in individuals of African descent in gnomAD. At this time, the clinical significance of this variant is uncertain due to the absence of conclusive functional and genetic evidence.

GeneDx
Classification: Uncertain significance. Last evaluated: 2023-05-30. Review status: criteria provided, single submitter. Criteria: GeneDx Variant Classification Process June 2021. Collection method: clinical testing. Allele origin: germline. Affected: yes.
Comment: Missense variants in this gene are often considered pathogenic (HGMD); In silico analysis supports that this missense variant does not alter protein structure/function; Has not been previously published as pathogenic or benign to our knowledge

Ambry Genetics
Classification: Uncertain significance for Inborn genetic diseases. Last evaluated: 2021-07-09. Review status: criteria provided, single submitter. Criteria: Ambry Variant Classification Scheme 2023. Collection method: clinical testing. Allele origin: germline.